The following is an entry in ClinVar:

ClinVar aggregate classification (germline): Uncertain significance (1 of 4 stars; one submission).

Conditions:
Spinocerebellar ataxia 49 (SCA49). Identifiers: Orphanet 631106, MedGen C5676950, MONDO:0030805, OMIM 619806.

Submission:

Kariminejad - Najmabadi Pathology & Genetics Center
Classification: Uncertain significance for Spinocerebellar ataxia 49. Last evaluated: 2023-04-20. Review status: criteria provided, single submitter. Criteria: ACMG Guidelines, 2015. Collection method: clinical testing. Allele origin: germline. Inheritance: Autosomal dominant inheritance. Affected: yes.
Comment: PM2

NM_152703.5(SAMD9L):c.2308A>C (p.Lys770Gln)

Gene: SAMD9L (sterile alpha motif domain containing 9 like; minus strand). Cytogenetic location: 7q21.2.
Variant type: single nucleotide variant.
Coding change: c.2308A>C on transcript NM_152703.5 (MANE Select); coding-DNA position 2308, A replaced by C.
Protein change: p.Lys770Gln; replaces lysine 770 with glutamine.
Molecular consequence: missense variant.
Genome position (GRCh38, 1-based): chr7:93,133,664, T>G on the plus strand (A>C on the coding strand, the complement: SAMD9L is on the minus strand). VCF-style: chr7-93133664-T-G. GRCh37 (hg19) VCF-style: chr7-92762977-T-G.
Other names: c.2308A>C, p.Lys770Gln (NM_001303496.3, NM_001303497.3, NM_001303498.3 and 5 more transcripts); short protein forms K770Q.
Identifiers: ClinVar variation 3896980 (VCV003896980.1).
Genomic context (GRCh38, chr7:93,133,664, plus strand): 5'-TTGCCCTATAGGTGACCAGATTGATCACTTGCTCTGCAATTTCTGCAAAATCAGTTGTCT[T>G]GTTTTTTAACACAGCACATCTGAAGTTTTTCTTTAAGTCCCAGAGAACATGCATAGCCAG-3'
Protein context (NP_689916.2, residues 760-780): KNFRCAVLKN[Lys770Gln]TTDFAEIAEQ